The following is an entry in ClinVar:

NM_000128.4(F11):c.539A>G (p.Lys180Arg)

Gene: F11 (coagulation factor XI; plus strand). Cytogenetic location: 4q35.2.
Variant type: single nucleotide variant.
Coding change: c.539A>G on transcript NM_000128.4 (MANE Select); coding-DNA position 539, A replaced by G.
Protein change: p.Lys180Arg; replaces lysine 180 with arginine.
Molecular consequence: missense variant.
Genome position (GRCh38, 1-based): chr4:186,275,840, A>G. VCF-style: chr4-186275840-A-G. GRCh37 (hg19) VCF-style: chr4-187196994-A-G.
Other names: short protein forms K180R.
Identifiers: ClinVar variation 731217 (VCV000731217.16), dbSNP rs190283743, ClinGen allele CA3163703.
Genomic context (GRCh38, chr4:186,275,840, plus strand): 5'-TATTCAGTAACATTTGTCTACTGAAGCACACCCAAACAGGGACACCAACCAGAATAACGA[A>G]GCTCGATAAAGTGGTGTCTGGATTTTCACTGAAATCCTGTGCACTTTCTAATCTGGGTAA-3'
Protein context (NP_000119.1, residues 170-190): TQTGTPTRIT[Lys180Arg]LDKVVSGFSL

ClinVar aggregate classification (germline): Benign/Likely benign. Review status: criteria provided, multiple submitters, no conflicts (2 of 4 stars). 4 submissions from 4 submitters: Benign (2); Likely benign (1). 1 of the submissions does not count toward it. Last evaluated 2026-01-28.

Conditions:
Hereditary factor XI deficiency disease. Also called: PLASMA THROMBOPLASTIN ANTECEDENT DEFICIENCY; PTA DEFICIENCY; ROSENTHAL SYNDROME; Congenital factor XI deficiency. Identifiers: Orphanet 329, MedGen C0015523, MeSH D005173, MONDO:0012897, OMIM 612416.
Plasma factor XI deficiency.

Allele frequency attached by ClinVar (database versions not stated): gnomAD 0.00036 and 0.00052; gnomAD exomes 0.00049 and 0.00110; TOPMed 0.00067; ExAC 0.00138; 1000 Genomes Project 0.00160; 1000 Genomes Project 30x 0.00187.
gnomAD v4.1: 795 of 1,613,770 alleles (0.049%); highest among the groups gnomAD compares: East Asian, 1.6%; 8 homozygotes.

Submissions (4):

Labcorp Genetics (formerly Invitae), Labcorp
Classification: Benign. Last evaluated: 2026-01-28. Review status: criteria provided, single submitter. Criteria: Invitae Variant Classification Sherloc (09022015). Collection method: clinical testing. Allele origin: germline.

Blueprint Genetics
Classification: Likely benign. Last evaluated: 2024-11-18. Review status: criteria provided, single submitter. Criteria: ACMG Guidelines, 2015. Collection method: clinical testing. Allele origin: germline.

Illumina Laboratory Services, Illumina
Classification: Benign for Hereditary factor XI deficiency disease. Last evaluated: 2018-01-13. Review status: criteria provided, single submitter. Criteria: ICSL Variant Classification Criteria 13 December 2019. Collection method: clinical testing. Allele origin: germline.
Comment: This variant was observed in the ICSL laboratory as part of a predisposition screen in an ostensibly healthy population. It had not been previously curated by ICSL or reported in the Human Gene Mutation Database (HGMD: prior to June 1st, 2018), and was therefore a candidate for classification through an automated scoring system. Utilizing variant allele frequency, disease prevalence and penetrance estimates, and inheritance mode, an automated score was calculated to assess if this variant is too frequent to cause the disease. Based on the score and internal cut-off values, a variant classified as benign is not then subjected to further curation. The score for this variant resulted in a classification of benign for this disease.

Natera, Inc.
Classification: Benign for Plasma factor XI deficiency. Last evaluated: 2020-04-20. Review status: no assertion criteria provided. Collection method: clinical testing. Allele origin: germline. Not counted in ClinVar's aggregate classification.